The following is an entry in ClinVar:

NM_000516.7(GNAS):c.1039-4G>A

Gene: GNAS (GNAS complex locus; plus strand). Cytogenetic location: 20q13.32.
Variant type: single nucleotide variant.
Coding change: c.1039-4G>A on transcript NM_000516.7 (MANE Select); 4 bases into the intron before coding-DNA position 1039, G replaced by A.
Molecular consequence: intron variant.
Genome position (GRCh38, 1-based): chr20:58,910,679, G>A. VCF-style: chr20-58910679-G-A. GRCh37 (hg19) VCF-style: chr20-57485734-G-A.
Other names: c.862-4G>A (NM_001309861.2, NM_001309840.2); c.*900-4G>A (NM_001077490.3); c.2968-4G>A (NM_080425.4); c.1042-4G>A (NM_001077488.5); c.997-4G>A (NM_080426.4); c.994-4G>A (NM_001077489.4); c.1039-4G>A (NM_000516.5); c.*945-4G>A (NM_016592.5).
Identifiers: ClinVar variation 1596750 (VCV001596750.10), dbSNP rs575570315, ClinGen allele CA9927318.

ClinVar aggregate classification (germline): Likely benign. Review status: criteria provided, multiple submitters, no conflicts (2 of 4 stars). 3 submissions from 3 submitters: Likely benign (2). 1 of the submissions does not count toward it. Last evaluated 2025-12-17.

Conditions:
Progressive osseous heteroplasia (POH). Also called: Osseus Heteroplasia, Progressive; ECTOPIC OSSIFICATION, FAMILIAL; Osteoma cutis; Progressive Osseus Heteroplasia (POH). Identifiers: Orphanet 2762, MedGen C0334041, MONDO:0008153, OMIM 166350, HP:0025027.
Pituitary adenoma 3, multiple types. Also called: PITUITARY ADENOMA 3, ACTH-SECRETING, SOMATIC; PITUITARY ADENOMA 3, GROWTH HORMONE-SECRETING, SOMATIC. Identifiers: MedGen C4540135, MONDO:0054665, OMIM 617686.
ACTH-independent macronodular adrenal hyperplasia 1 (AIMAH1). Also called: CUSHING SYNDROME, ADRENAL, DUE TO AIMAH; CORTICOTROPIN-INDEPENDENT MACRONODULAR ADRENAL HYPERPLASIA; ACTH-INDEPENDENT MACRONODULAR ADRENOCORTICAL HYPERPLASIA; ACTH-independent macronodular adrenal hyperplasia, somatic; ADRENOCORTICOTROPIC HORMONE-INDEPENDENT MACRONODULAR ADRENAL HYPERPLASIA. Identifiers: MedGen C1857451, MONDO:0020735, OMIM 219080.
Pseudohypoparathyroidism type I A (PHP1A). Also called: Pseudohypoparathyroidism Type IA; ALBRIGHT HEREDITARY OSTEODYSTROPHY WITH MULTIPLE HORMONE RESISTANCE; PHP IA; Pseudohypoparathyroidism type 1A; Pseudohypoparathyroidism Ia (PHP-Ia). Identifiers: Orphanet 79443, MedGen C3494506, MONDO:0007078, OMIM 103580.
Pseudohypoparathyroidism type 1B (PHP1B). Also called: PHP IB; Pseudohypoparathyroidism Type IB; Pseudohypoparathyroidism Ib (PHP-Ib). Identifiers: Orphanet 94089, MedGen C1864100, MONDO:0011301, OMIM 603233.
Pseudopseudohypoparathyroidism (PPHP). Also called: Pseudopseudohypoparathyroidism (PPHP); ALBRIGHT HEREDITARY OSTEODYSTROPHY WITHOUT MULTIPLE HORMONE RESISTANCE. Identifiers: Orphanet 79445, MedGen C0033835, MONDO:0012912, OMIM 612463.
McCune-Albright syndrome (MAS). Also called: Fibrous Dysplasia / McCune-Albright Syndrome; ALBRIGHT SYNDROME; Albright's Syndrome; Albright's disease; McCune-Albright syndrome, somatic, mosaic. Identifiers: Orphanet 562, MedGen C0242292, MONDO:0018919, OMIM 174800.
Pseudohypoparathyroidism type 1C (PHP1C). Also called: Pseudohypoparathyroidism Ic (PHP-Ic); PSEUDOHYPOPARATHYROIDISM, TYPE IC; PHP IC. Identifiers: Orphanet 79444, MedGen C2932716, MONDO:0012911, OMIM 612462.
GNAS-related disorder. Identifiers: MedGen CN380105.

Allele frequency attached by ClinVar (database versions not stated): gnomAD 0.00005; TOPMed 0.00007; 1000 Genomes Project 30x 0.00016; 1000 Genomes Project 0.00020.
gnomAD v4.1: 33 of 1,614,066 alleles (0.002%); highest among the groups gnomAD compares: Admixed American, 0.012%; no homozygotes.

Submissions (3):

Labcorp Genetics (formerly Invitae), Labcorp
Classification: Likely benign. Last evaluated: 2025-12-17. Review status: criteria provided, single submitter. Criteria: Invitae Variant Classification Sherloc (09022015). Collection method: clinical testing. Allele origin: germline.

Fulgent Genetics
Classification: Likely benign for Pseudohypoparathyroidism type I A; Progressive osseous heteroplasia; McCune-Albright syndrome; ACTH-independent macronodular adrenal hyperplasia 1; Pseudohypoparathyroidism type 1B; Pseudohypoparathyroidism type 1C; Pseudopseudohypoparathyroidism; Pituitary adenoma 3, multiple types. Last evaluated: 2021-12-03. Review status: criteria provided, single submitter. Criteria: ACMG Guidelines, 2015. Collection method: clinical testing. Allele origin: unknown.

PreventionGenetics, part of Exact Sciences
Classification: Likely benign for GNAS-related condition. Last evaluated: 2024-09-03. Review status: no assertion criteria provided. Collection method: clinical testing. Allele origin: germline. Not counted in ClinVar's aggregate classification.
Comment: This variant is classified as likely benign based on ACMG/AMP sequence variant interpretation guidelines (Richards et al. 2015 PMID: 25741868, with internal and published modifications).